The following is an entry in ClinVar:

NM_003072.5(SMARCA4):c.4171-7C>T

Gene: SMARCA4 (SWI/SNF related BAF chromatin remodeling complex subunit ATPase 4; plus strand). Cytogenetic location: 19p13.2.
Variant type: single nucleotide variant.
Coding change: c.4171-7C>T on transcript NM_003072.5 (MANE Select); 7 bases into the intron before coding-DNA position 4171, C replaced by T.
Molecular consequence: intron variant. On other transcripts: synonymous variant (2).
Genome position (GRCh38, 1-based): chr19:11,041,300, C>T. VCF-style: chr19-11041300-C-T. GRCh37 (hg19) VCF-style: chr19-11151976-C-T.
Other names: c.4074C>T, p.Thr1358= (NM_001128845.2, NM_001128846.2); c.4171-7C>T (NM_001128844.3); c.4267-7C>T (NM_001128849.3, NM_001387283.1); c.4072-7C>T (NM_001128847.4, NM_001374457.1, NM_001128848.2).
Identifiers: ClinVar variation 470390 (VCV000470390.9), dbSNP rs1451126803, ClinGen allele CA632115268.
Genomic context (GRCh38, chr19:11,041,300, plus strand): 5'-TGCGTCGCGGCCTCTGCTTGTCGACCTGGGTGCTGGCTGTCCTATTTTACTACTATTGAC[C>T]CTGAAGGCCATCGAGGAGGGCACGCTGGAGGAGATCGAAGAGGAGGTCCGGCAGAAGAAA-3'

ClinVar aggregate classification (germline): Conflicting classifications of pathogenicity. Review status: criteria provided, conflicting classifications (1 of 4 stars). 2 submissions from 2 submitters: Uncertain significance (1); Likely benign (1). Last evaluated 2025-12-03.

Conditions:
Rhabdoid tumor predisposition syndrome 2 (RTPS2). Identifiers: Orphanet 231108, Orphanet 69077, MedGen C2750074, MONDO:0013224, OMIM 613325.

Allele frequency attached by ClinVar (database versions not stated): gnomAD exomes below 0.00001; TOPMed below 0.00001; gnomAD 0.00001.
gnomAD v4.1: 5 of 1,606,942 alleles (0.00031%); highest among the groups gnomAD compares: South Asian, 0.0033%; no homozygotes.

Submissions (2):

Labcorp Genetics (formerly Invitae), Labcorp
Classification: Likely benign for Rhabdoid tumor predisposition syndrome 2. Last evaluated: 2025-12-03. Review status: criteria provided, single submitter. Criteria: Invitae Variant Classification Sherloc (09022015). Collection method: clinical testing. Allele origin: germline.

Quest Diagnostics Nichols Institute San Juan Capistrano
Classification: Uncertain significance. Last evaluated: 2025-04-24. Review status: criteria provided, single submitter. Criteria: Quest Diagnostics criteria. Collection method: clinical testing. Allele origin: unknown.
Comment: The SMARCA4 c.4267-7C>T variant has not been reported in individuals with SMARCA4-related conditions in the published literature. The frequency of this variant in the general population (Genome Aggregation Database) is uninformative in the assessment of its pathogenicity. Analysis of this variant using software algorithms for the prediction of the effect of nucleotide changes on splicing yielded predictions that this variant does not affect SMARCA4 mRNA splicing. Based on the available information, we are unable to determine the clinical significance of this variant.